The following is an entry in ClinVar:

NM_004171.4(SLC1A2):c.612G>A (p.Glu204=)

Gene: SLC1A2 (solute carrier family 1 member 2; minus strand). Cytogenetic location: 11p13.
Variant type: single nucleotide variant.
Coding change: c.612G>A on transcript NM_004171.4 (MANE Select); coding-DNA position 612, G replaced by A.
Protein change: p.Glu204=; no amino-acid change (glutamic acid 204 retained).
Molecular consequence: synonymous variant.
Genome position (GRCh38, 1-based): chr11:35,306,192, C>T on the plus strand (G>A on the coding strand, the complement: SLC1A2 is on the minus strand). VCF-style: chr11-35306192-C-T. GRCh37 (hg19) VCF-style: chr11-35327739-C-T.
Other names: c.585G>A, p.Glu195= (NM_001195728.3, NM_001252652.2).
Identifiers: ClinVar variation 3771659 (VCV003771659.13).

ClinVar aggregate classification (germline): Likely benign (1 of 4 stars; one submission).

Submission:

CeGaT Center for Human Genetics Tuebingen
Classification: Likely benign. Last evaluated: 2024-12-01. Review status: criteria provided, single submitter. Criteria: CeGaT Center For Human Genetics Tuebingen Variant Classification Criteria Version 2. Collection method: clinical testing. Allele origin: germline. Affected: yes. Observed: 1 variant allele.
Comment: SLC1A2: PM2:Supporting, BP4, BP7